The following is an entry in ClinVar:

ClinVar aggregate classification (germline): Uncertain significance (1 of 4 stars; one submission).

Conditions:
Alstrom syndrome (ALMS). Identifiers: Orphanet 64, MedGen C0268425, MONDO:0008763, OMIM 203800.

Allele frequency attached by ClinVar (database versions not stated): gnomAD exomes below 0.00001.
gnomAD v4.1: 3 of 1,614,028 alleles (0.00019%); highest among the groups gnomAD compares: South Asian, 0.0011%; no homozygotes.

Submission:

Labcorp Genetics (formerly Invitae), Labcorp
Classification: Uncertain significance for Alstrom syndrome. Last evaluated: 2022-10-24. Review status: criteria provided, single submitter. Criteria: Invitae Variant Classification Sherloc (09022015). Collection method: clinical testing. Allele origin: germline.
Comment: In summary, the available evidence is currently insufficient to determine the role of this variant in disease. Therefore, it has been classified as a Variant of Uncertain Significance. This sequence change replaces asparagine with aspartic acid at codon 2035 of the ALMS1 protein (p.Asn2035Asp). The asparagine residue is weakly conserved and there is a small physicochemical difference between asparagine and aspartic acid. This variant is not present in population databases (gnomAD no frequency). This variant has not been reported in the literature in individuals affected with ALMS1-related conditions. ClinVar contains an entry for this variant (Variation ID: 1374652). Experimental studies and prediction algorithms are not available or were not evaluated, and the functional significance of this variant is currently unknown.

NM_001378454.1(ALMS1):c.6100A>G (p.Asn2034Asp)

Gene: ALMS1 (ALMS1 centrosome and basal body associated protein; plus strand). Cytogenetic location: 2p13.1.
Variant type: single nucleotide variant.
Coding change: c.6100A>G on transcript NM_001378454.1 (MANE Select); coding-DNA position 6100, A replaced by G.
Protein change: p.Asn2034Asp; replaces asparagine 2034 with aspartic acid.
Molecular consequence: missense variant.
Genome position (GRCh38, 1-based): chr2:73,452,627, A>G. VCF-style: chr2-73452627-A-G. GRCh37 (hg19) VCF-style: chr2-73679754-A-G.
Other names: c.6103A>G, p.Asn2035Asp (NM_015120.4); short protein forms N2035D, N2034D.
Identifiers: ClinVar variation 1374652 (VCV001374652.6), dbSNP rs1206923047, ClinGen allele CA347284868.